The following is an entry in ClinVar:

ClinVar aggregate classification (germline): Uncertain significance (1 of 4 stars; one submission).

Conditions:
Dilated cardiomyopathy 1JJ (CMD1JJ). Identifiers: Orphanet 154, MedGen C3808935, MONDO:0014095, OMIM 615235.

Submission:

Labcorp Genetics (formerly Invitae), Labcorp
Classification: Uncertain significance for Dilated cardiomyopathy 1JJ. Last evaluated: 2025-06-13. Review status: criteria provided, single submitter. Criteria: Invitae Variant Classification Sherloc (09022015). Collection method: clinical testing. Allele origin: germline.
Comment: This sequence change replaces lysine, which is basic and polar, with glutamic acid, which is acidic and polar, at codon 387 of the LAMA4 protein (p.Lys387Glu). This variant is not present in population databases (gnomAD no frequency). This variant has not been reported in the literature in individuals affected with LAMA4-related conditions. Invitae Evidence Modeling of protein sequence and biophysical properties (such as structural, functional, and spatial information, amino acid conservation, physicochemical variation, residue mobility, and thermodynamic stability) indicates that this missense variant is not expected to disrupt LAMA4 protein function with a negative predictive value of 80%. In summary, the available evidence is currently insufficient to determine the role of this variant in disease. Therefore, it has been classified as a Variant of Uncertain Significance.

NM_001105206.3(LAMA4):c.1180A>G (p.Lys394Glu)

Gene: LAMA4 (laminin subunit alpha 4; minus strand). Cytogenetic location: 6q21.
Variant type: single nucleotide variant.
Coding change: c.1180A>G on transcript NM_001105206.3 (MANE Select); coding-DNA position 1180, A replaced by G.
Protein change: p.Lys394Glu; replaces lysine 394 with glutamic acid.
Molecular consequence: missense variant.
Genome position (GRCh38, 1-based): chr6:112,178,130, T>C on the plus strand (A>G on the coding strand, the complement: LAMA4 is on the minus strand). VCF-style: chr6-112178130-T-C. GRCh37 (hg19) VCF-style: chr6-112499332-T-C.
Other names: c.1159A>G, p.Lys387Glu (NM_001105207.3, NM_002290.5); short protein forms K394E, K387E.
Identifiers: ClinVar variation 4737208 (VCV004737208.1).
Genomic context (GRCh38, chr6:112,178,130, plus strand): 5'-AACATAAGTGTTTCCTTGATATTAAACTGAACCAGAAGAGAATATATTTACCTTGGATTT[T>C]ATCCCTCATATCATGGGCTTGCTCTACCAGCTGACTTGCGTGGTTAATGGTGTCCATGCT-3'
Protein context (NP_001098676.2, residues 384-404): LVEQAHDMRD[Lys394Glu]IQEINNKMLY